The following is an entry in ClinVar:

ClinVar aggregate classification (germline): Uncertain significance (1 of 4 stars; one submission).

Allele frequency attached by ClinVar (database versions not stated): gnomAD exomes below 0.00001.

Submission:

Labcorp Genetics (formerly Invitae), Labcorp
Classification: Uncertain significance. Last evaluated: 2022-09-12. Review status: criteria provided, single submitter. Criteria: Invitae Variant Classification Sherloc (09022015). Collection method: clinical testing. Allele origin: germline.
Comment: This sequence change replaces aspartic acid, which is acidic and polar, with asparagine, which is neutral and polar, at codon 202 of the NEUROD1 protein (p.Asp202Asn). This variant is present in population databases (no rsID available, gnomAD 0.0009%). In summary, the available evidence is currently insufficient to determine the role of this variant in disease. Therefore, it has been classified as a Variant of Uncertain Significance. Advanced modeling of protein sequence and biophysical properties (such as structural, functional, and spatial information, amino acid conservation, physicochemical variation, residue mobility, and thermodynamic stability) performed at Invitae indicates that this missense variant is not expected to disrupt NEUROD1 protein function. This variant has not been reported in the literature in individuals affected with NEUROD1-related conditions.

NM_002500.5(NEUROD1):c.604G>A (p.Asp202Asn)

Gene: NEUROD1 (neuronal differentiation 1; minus strand). Cytogenetic location: 2q31.3.
Variant type: single nucleotide variant.
Coding change: c.604G>A on transcript NM_002500.5 (MANE Select); coding-DNA position 604, G replaced by A.
Protein change: p.Asp202Asn; replaces aspartic acid 202 with asparagine.
Molecular consequence: missense variant.
Genome position (GRCh38, 1-based): chr2:181,678,257, C>T on the plus strand (G>A on the coding strand, the complement: NEUROD1 is on the minus strand). VCF-style: chr2-181678257-C-T. GRCh37 (hg19) VCF-style: chr2-182542984-C-T.
Other names: short protein forms D202N.
Identifiers: ClinVar variation 2028101 (VCV002028101.4), dbSNP rs1349732855, ClinGen allele CA349783897.